The following is an entry in ClinVar:

ClinVar aggregate classification (germline): Benign/Likely benign. Review status: criteria provided, multiple submitters, no conflicts (2 of 4 stars). 3 submissions from 3 submitters: Benign (2); Likely benign (1). Last evaluated 2024-08-01.

Allele frequency attached by ClinVar (database versions not stated): 1000 Genomes Project 30x 0.00187; 1000 Genomes Project 0.00240; TOPMed 0.00441; ExAC 0.00448; gnomAD 0.00451 and 0.00460; gnomAD exomes 0.00469 and 0.00693; ESP Exome Variant Server 0.00561.
gnomAD v4.1: 10,743 of 1,613,462 alleles (0.67%); highest among the groups gnomAD compares: Non-Finnish European, 0.8%; 49 homozygotes.

Submissions (3):

CeGaT Center for Human Genetics Tuebingen
Classification: Likely benign. Last evaluated: 2024-08-01. Review status: criteria provided, single submitter. Criteria: CeGaT Center For Human Genetics Tuebingen Variant Classification Criteria Version 2. Collection method: clinical testing. Allele origin: germline. Affected: yes. Observed: 1 variant allele.
Comment: SF3B1: BP4, BS2

Labcorp Genetics (formerly Invitae), Labcorp
Classification: Benign. Last evaluated: 2019-12-31. Review status: criteria provided, single submitter. Criteria: Invitae Variant Classification Sherloc (09022015). Collection method: clinical testing. Allele origin: germline.

Breakthrough Genomics
Classification: Benign. Review status: criteria provided, single submitter. Criteria: ACMG Guidelines, 2015. Collection method: not provided. Allele origin: germline. Inheritance: Unknown mechanism. Affected: yes.

NM_012433.4(SF3B1):c.3216T>C (p.Ala1072=)

Gene: SF3B1 (splicing factor 3b subunit 1; minus strand). Cytogenetic location: 2q33.1.
Variant type: single nucleotide variant.
Coding change: c.3216T>C on transcript NM_012433.4 (MANE Select); coding-DNA position 3216, T replaced by C.
Protein change: p.Ala1072=; no amino-acid change (alanine 1072 retained).
Molecular consequence: synonymous variant.
Genome position (GRCh38, 1-based): chr2:197,398,035, A>G on the plus strand (T>C on the coding strand, the complement: SF3B1 is on the minus strand). VCF-style: chr2-197398035-A-G. GRCh37 (hg19) VCF-style: chr2-198262759-A-G.
Identifiers: ClinVar variation 715640 (VCV000715640.21), dbSNP rs111736429, ClinGen allele CA2042408.